The following is an entry in ClinVar:

NM_014425.5(INVS):c.1223C>T (p.Thr408Ile)

Gene: INVS (inversin; plus strand). Cytogenetic location: 9q31.1.
Variant type: single nucleotide variant.
Coding change: c.1223C>T on transcript NM_014425.5 (MANE Select); coding-DNA position 1223, C replaced by T.
Protein change: p.Thr408Ile; replaces threonine 408 with isoleucine.
Molecular consequence: missense variant. On other transcripts: non-coding transcript variant (1).
Genome position (GRCh38, 1-based): chr9:100,252,427, C>T. VCF-style: chr9-100252427-C-T. GRCh37 (hg19) VCF-style: chr9-103014709-C-T.
Other names: c.935C>T, p.Thr312Ile (NM_001318381.2); c.245C>T, p.Thr82Ile (NM_001318382.2); short protein forms T312I, T408I, T82I.
Identifiers: ClinVar variation 2745849 (VCV002745849.3), dbSNP rs2490003637, ClinGen allele CA374364564.
Genomic context (GRCh38, chr9:100,252,427, plus strand): 5'-TTATGAAACATACTCCACTTTTCCGAGCCTGTGAGATGGGACACAAAGATGTGATTCAGA[C>T]ACTCATTAAAGGTGGGCTAATAAGAGTACTCCTAATAAGTCTCTCTTAACAGGTAGGAAT-3'
Protein context (NP_055240.2, residues 398-418): CEMGHKDVIQ[Thr408Ile]LIKGGARVDL

ClinVar aggregate classification (germline): Uncertain significance (1 of 4 stars; one submission).

Conditions:
Nephronophthisis. Also called: Juvenile Nephronophthisis. Identifiers: Orphanet 655, MedGen C0687120, MONDO:0019005, HP:0000090.

Submission:

Labcorp Genetics (formerly Invitae), Labcorp
Classification: Uncertain significance for Nephronophthisis. Last evaluated: 2025-01-27. Review status: criteria provided, single submitter. Criteria: Invitae Variant Classification Sherloc (09022015). Collection method: clinical testing. Allele origin: germline.
Comment: This sequence change replaces threonine, which is neutral and polar, with isoleucine, which is neutral and non-polar, at codon 408 of the INVS protein (p.Thr408Ile). This variant is not present in population databases (gnomAD no frequency). This variant has not been reported in the literature in individuals affected with INVS-related conditions. ClinVar contains an entry for this variant (Variation ID: 2745849). An algorithm developed to predict the effect of missense changes on protein structure and function (PolyPhen-2) suggests that this variant is likely to be disruptive. In summary, the available evidence is currently insufficient to determine the role of this variant in disease. Therefore, it has been classified as a Variant of Uncertain Significance.